The following is an entry in ClinVar:

NM_000155.4(GALT):c.462G>A (p.Trp154Ter)

Gene: GALT (galactose-1-phosphate uridylyltransferase; plus strand). Cytogenetic location: 9p13.3.
Variant type: single nucleotide variant.
Coding change: c.462G>A on transcript NM_000155.4 (MANE Select); coding-DNA position 462, G replaced by A.
Protein change: p.Trp154Ter; replaces tryptophan 154 with a stop codon.
Molecular consequence: nonsense.
Genome position (GRCh38, 1-based): chr9:34,647,916, G>A. VCF-style: chr9-34647916-G-A. GRCh37 (hg19) VCF-style: chr9-34647913-G-A.
Other names: c.462G>A (NM_000155.3); c.135G>A, p.Trp45Ter (NM_001258332.2); short protein forms W154*, W45*.
Identifiers: ClinVar variation 1457366 (VCV001457366.10), dbSNP rs111033704, ClinGen allele CA259400.

ClinVar aggregate classification (germline): Pathogenic. Review status: criteria provided, multiple submitters, no conflicts (2 of 4 stars). 3 submissions from 3 submitters: Pathogenic (3). Last evaluated 2026-01-13.

Conditions:
Galactosemia. Also called: Galactose intolerance. Identifiers: Orphanet 352, MedGen C0016952, MONDO:0018116, HP:0004919. Disease mechanism: loss of function.
Deficiency of UDPglucose-hexose-1-phosphate uridylyltransferase. Also called: Transferase Deficiency Galactosemia; GALACTOSEMIA I; GALT deficiency; Galactosemia, classic; GALACTOSE-1-PHOSPHATE URIDYLYLTRANSFERASE DEFICIENCY. Identifiers: Orphanet 352, Orphanet 79239, MedGen C0268151, MONDO:0009258, OMIM 230400.

Allele frequency attached by ClinVar (database versions not stated): gnomAD exomes below 0.00001.
gnomAD v4.1: 2 of 1,614,208 alleles (0.00012%); highest among the groups gnomAD compares: Non-Finnish European, 0.00017%; no homozygotes.

Submissions (3):

Myriad Genetics, Inc.
Classification: Pathogenic for Deficiency of UDPglucose-hexose-1-phosphate uridylyltransferase. Last evaluated: 2026-01-13. Review status: criteria provided, single submitter. Criteria: Myriad Autosomal Dominant, Autosomal Recessive and X-Linked Classification Criteria (2023). Collection method: clinical testing. Allele origin: unknown.
Comment: NM_000155.3(GALT):c.462G>A(W154*) is a nonsense variant classified as pathogenic in the context of galactosemia. W154* has been observed in cases with relevant disease (PMID: 11261429, 11919338, 25592817). Relevant functional assessments of this variant are not available in the literature. W154* has not been observed in referenced population frequency databases. In summary, NM_000155.3(GALT):c.462G>A(W154*) is a nonsense variant in a gene where loss of function is a known mechanism of disease, is predicted to disrupt protein function, and has been observed more frequently in cases with the relevant disease than in healthy populations. Please note: this variant was assessed in the context of healthy population screening.

Natera, Inc.
Classification: Pathogenic for Galactosemia. Last evaluated: 2024-09-18. Review status: criteria provided, single submitter. Criteria: Natera Variant Classification Schema (03/2026). Collection method: clinical testing. Allele origin: germline.
Comment: The c.462G>A variant in GALT is a nonsense variant predicted to introduce a stop codon at amino acid 154. This variant is expected to result in nonsense mediated decay, truncation, or a dysfunctional protein product. This variant is rare in the general population with a frequency below the threshold expected for the associated phenotype(s). This variant has been observed in one or more individuals affected with the associated recessive disease, as either homozygous or compound heterozygous with a second variant (PMID: 31194682). Given the available evidence, this variant is classified as Pathogenic.

Labcorp Genetics (formerly Invitae), Labcorp
Classification: Pathogenic for Deficiency of UDPglucose-hexose-1-phosphate uridylyltransferase. Last evaluated: 2021-02-20. Review status: criteria provided, single submitter. Criteria: Invitae Variant Classification Sherloc (09022015). Collection method: clinical testing. Allele origin: germline.
Comment: This variant is not present in population databases (ExAC no frequency). This sequence change creates a premature translational stop signal (p.Trp154*) in the GALT gene. It is expected to result in an absent or disrupted protein product. Loss-of-function variants in GALT are known to be pathogenic (PMID: 22944367). This variant has been observed in individual(s) with clinical features of galactose-1-phosphate uridylyltransferase deficiency (PMID: 25592817). ClinVar contains an entry for this variant (Variation ID: 25183). For these reasons, this variant has been classified as Pathogenic.

Literature cited by the submitters: PubMed 11261429 (cited by Myriad Genetics, Inc.); PubMed 11919338 (cited by Myriad Genetics, Inc.); PubMed 25592817 (cited by Myriad Genetics, Inc. and Labcorp Genetics (formerly Invitae), Labcorp); PubMed 31194682 (cited by Natera, Inc.); PubMed 22944367 (cited by Labcorp Genetics (formerly Invitae), Labcorp).